The following is an entry in ClinVar:

NM_031448.6(C19orf12):c.105_106del (p.Ala37fs)

Gene: C19orf12 (chromosome 19 open reading frame 12; minus strand). Cytogenetic location: 19q12.
Variant type: Deletion.
Coding change: c.105_106del on transcript NM_031448.6 (MANE Select); coding-DNA positions 105 to 106, 2 bases deleted (AG; older notation c.105_106delAG).
Protein change: p.Ala37fs; shifts the reading frame from alanine 37.
Molecular consequence: frameshift variant. On other transcripts: 5 prime UTR variant (1), intron variant (2).
Genome position (GRCh38, 1-based): chr19:29,708,308-29,708,309, CT deleted on the plus strand (AG on the coding strand, the reverse complement: C19orf12 is on the minus strand). VCF-style (leftmost placement, unchanged base first): chr19-29708307-CCT-C. GRCh37 (hg19) VCF-style: chr19-30199214-CCT-C.
Other names: c.105_106del, p.Ala37fs (NM_001031726.4, NM_001256046.3, NM_001256047.2); c.-209_-208del (NM_001282931.3); c.-32-5332_-32-5331del (NM_001282929.1, NM_001282930.3); c.138_139del (NM_001031726.3); short protein forms A37fs.
Identifiers: ClinVar variation 2584363 (VCV002584363.5), dbSNP rs1795596096, ClinGen allele CA995030381.
Genomic context (GRCh38, chr19:29,708,307, plus strand): 5'-CACTTACCAACGGCGAGTCCCGGTGGGCCGCCCACCAAACCCCCGACGAAGGCCATGGCC[CCT>C]GTGACCAGGGCACCCTTCCCAGAGTGCTTGACAGCCGCCTTCATCTTCCTCTCCCCAGAA-3'

ClinVar aggregate classification (germline): Conflicting classifications of pathogenicity. Review status: criteria provided, conflicting classifications (1 of 4 stars). 5 submissions from 5 submitters: Pathogenic (2); Likely pathogenic (2); Uncertain significance (1). Last evaluated 2026-06-02.

Conditions:
Neurodegeneration with brain iron accumulation 4 (NBIA4). Also called: MITOCHONDRIAL PROTEIN-ASSOCIATED NEURODEGENERATION. Identifiers: Orphanet 289560, MedGen C3280371, MONDO:0013674, OMIM 614298. Disease mechanism: loss of function.
Hereditary spastic paraplegia 43. Also called: Spastic paraplegia 43, autosomal recessive. Identifiers: Orphanet 320370, MedGen C2680446, MONDO:0014024, OMIM 615043.

Allele frequency attached by ClinVar (database versions not stated): gnomAD exomes below 0.00001; TOPMed below 0.00001; gnomAD 0.00001.

Submissions (5):

Victorian Clinical Genetics Services, Murdoch Childrens Research Institute
Classification: Pathogenic for Neurodegeneration with brain iron accumulation 4. Last evaluated: 2026-06-02. Review status: criteria provided, single submitter. Criteria: ACMG Guidelines, 2015. Collection method: clinical testing. Allele origin: germline. Affected: yes.
Comment: This variant is classified as Pathogenic. Evidence in support of pathogenic classification: Variant is predicted to result in a truncated protein (premature termination codon is NOT located at least 54 nucleotides upstream of the final exon-exon junction) with at least 1/3 of the protein sequence affected; Variant is present in gnomAD <0.01 (v4: 3 heterozygote(s), 0 homozygote(s)); This variant has moderate previous evidence of pathogenicity in unrelated individuals. This variant has been classified as likely pathogenic/pathogenic by clinical laboratories in ClinVar; Other truncating variants comparable to the one identified in this case have very strong previous evidence for pathogenicity (DECIPHER). Additional information: This variant is heterozygous; This gene is associated with both recessive and dominant disease. Dominant inheritance is predominantly reported for variants resulting in a premature termination codon in exon 3 (PMID: 31087512); No published evidence of segregation with disease has been identified for this variant; No published functional evidence has been identified for this variant; Loss of function is a known mechanism of disease in this gene and is associated with neurodegeneration with brain iron accumulation 4 (MIM#614298). A dominant negative mechanism has been suggested to cause autosomal dominant disease (PMID: 31087512); Variants in this gene are known to have variable expressivity (OMIM). - Heterozygous variant detected in trans with a second PATHOGENIC heterozygous variant (NM_031448.6(C19orf12):c.124G>A; p.(Gly42Arg)) in a recessive disease.

Labcorp Genetics (formerly Invitae), Labcorp
Classification: Uncertain significance for Hereditary spastic paraplegia 43. Last evaluated: 2024-04-25. Review status: criteria provided, single submitter. Criteria: Invitae Variant Classification Sherloc (09022015). Collection method: clinical testing. Allele origin: germline.
Comment: This sequence change creates a premature translational stop signal (p.Ala48Hisfs*34) in the C19orf12 gene. While this is not anticipated to result in nonsense mediated decay, it is expected to disrupt the last 105 amino acid(s) of the C19orf12 protein. This variant is not present in population databases (gnomAD no frequency). This premature translational stop signal has been observed in individual(s) with mitochondrial membrane protein-associated neurodegeneration (PMID: 33607528). In at least one individual the data is consistent with being in trans (on the opposite chromosome) from a pathogenic variant. ClinVar contains an entry for this variant (Variation ID: 2584363). In summary, the available evidence is currently insufficient to determine the role of this variant in disease. Therefore, it has been classified as a Variant of Uncertain Significance.

Fulgent Genetics
Classification: Likely pathogenic for Neurodegeneration with brain iron accumulation 4; Hereditary spastic paraplegia 43. Last evaluated: 2024-03-21. Review status: criteria provided, single submitter. Criteria: ACMG Guidelines, 2015. Collection method: clinical testing. Allele origin: germline.

GeneDx
Classification: Likely pathogenic. Last evaluated: 2023-10-27. Review status: criteria provided, single submitter. Criteria: GeneDx Variant Classification Process June 2021. Collection method: clinical testing. Allele origin: germline. Affected: yes.
Comment: Frameshift variant predicted to result in abnormal protein length as the last 105 amino acids are replaced with 33 different amino acids, and other similar variants have been reported in HGMD; Not observed at significant frequency in large population cohorts (gnomAD); Has not been previously published as pathogenic or benign to our knowledge; This variant is associated with the following publications: (PMID: 27535533)

Institute of Human Genetics Munich, TUM University Hospital
Classification: Pathogenic for Neurodegeneration with brain iron accumulation 4. Last evaluated: 2022-11-08. Review status: criteria provided, single submitter. Criteria: Classification criteria August 2017. Collection method: clinical testing. Allele origin: paternal. Inheritance: Autosomal recessive inheritance. Affected: yes. Observed: 1 variant allele.

Literature cited by the submitters: PubMed 31087512 (cited by Victorian Clinical Genetics Services, Murdoch Childrens Research Institute); PubMed 33607528 (cited by Labcorp Genetics (formerly Invitae), Labcorp).